The following is an entry in ClinVar:

ClinVar aggregate classification (germline): Uncertain significance (1 of 4 stars; one submission).

Allele frequency attached by ClinVar (database versions not stated): gnomAD 0.00001; TOPMed 0.00001.
gnomAD v4.1: 1 of 1,612,448 alleles (0.000062%); highest among the groups gnomAD compares: African/African-American, 0.0013%; no homozygotes.

Submission:

Ambry Genetics
Classification: Uncertain significance. Last evaluated: 2023-09-25. Review status: criteria provided, single submitter. Criteria: Ambry Variant Classification Scheme 2023. Collection method: clinical testing. Allele origin: germline.
Comment: The p.E993D variant (also known as c.2979A>C), located in coding exon 26 of the KIF1B gene, results from an A to C substitution at nucleotide position 2979. The glutamic acid at codon 993 is replaced by aspartic acid, an amino acid with highly similar properties. This amino acid position is well conserved in available vertebrate species. In addition, this alteration is predicted to be tolerated by in silico analysis. Since supporting evidence is limited at this time, the clinical significance of this alteration remains unclear.

NM_001365951.3(KIF1B):c.3117A>C (p.Glu1039Asp)

Gene: KIF1B (kinesin family member 1B; plus strand). Cytogenetic location: 1p36.22.
Variant type: single nucleotide variant.
Coding change: c.3117A>C on transcript NM_001365951.3 (MANE Select); coding-DNA position 3117, A replaced by C.
Protein change: p.Glu1039Asp; replaces glutamic acid 1039 with aspartic acid.
Molecular consequence: missense variant.
Genome position (GRCh38, 1-based): chr1:10,336,730, A>C. VCF-style: chr1-10336730-A-C. GRCh37 (hg19) VCF-style: chr1-10396788-A-C.
Other names: c.3117A>C, p.Glu1039Asp (NM_001365952.1); c.2979A>C, p.Glu993Asp (NM_015074.3); short protein forms E993D, E1039D.
Identifiers: ClinVar variation 1798352 (VCV001798352.2), dbSNP rs1037630279, ClinGen allele CA17841332.